The following is an entry in ClinVar:

NM_000101.4(CYBA):c.482_483insGAGGGGGCCCCCGGCGAGGGGGCCCCCGG (p.Glu162fs)

Gene: CYBA (cytochrome b-245 alpha chain; minus strand). Cytogenetic location: 16q24.2.
Variant type: Insertion.
Coding change: c.482_483insGAGGGGGCCCCCGGCGAGGGGGCCCCCGG on transcript NM_000101.4 (MANE Select); coding-DNA positions 482 to 483, GAGGGGGCCCCCGGCGAGGGGGCCCCCGG inserted.
Protein change: p.Glu162fs; shifts the reading frame from glutamic acid 162.
Molecular consequence: frameshift variant.
Genome position: GRCh38 VCF-style: chr16-88643458-G-GCCGGGGGCCCCCTCGCCGGGGGCCCCCTC. GRCh37 (hg19) VCF-style: chr16-88709866-G-GCCGGGGGCCCCCTCGCCGGGGGCCCCCTC.
Other names: short protein forms E162fs.
Identifiers: ClinVar variation 2106647 (VCV002106647.4), dbSNP rs2507521232, ClinGen allele CA2580092206.

ClinVar aggregate classification (germline): Uncertain significance (1 of 4 stars; one submission).

Conditions:
Granulomatous disease, chronic, autosomal recessive, cytochrome b-negative. Also called: GRANULOMATOUS DISEASE, CHRONIC, AUTOSOMAL RECESSIVE, 4; CGD DUE TO DEFICIENCY OF THE ALPHA SUBUNIT OF CYTOCHROME b; CGD, AUTOSOMAL RECESSIVE CYTOCHROME b-NEGATIVE; CYBA DEFICIENCY; Chronic granulomatous disease, autosomal, due to deficiency of CYBA. Identifiers: Orphanet 379, MedGen C1856255, MONDO:0009308, OMIM 233690.

Submission:

Labcorp Genetics (formerly Invitae), Labcorp
Classification: Uncertain significance for Granulomatous disease, chronic, autosomal recessive, cytochrome b-negative. Last evaluated: 2022-03-04. Review status: criteria provided, single submitter. Criteria: Invitae Variant Classification Sherloc (09022015). Collection method: clinical testing. Allele origin: germline.
Comment: Experimental studies and prediction algorithms are not available or were not evaluated, and the functional significance of this variant is currently unknown. This variant has not been reported in the literature in individuals affected with CYBA-related conditions. This variant is not present in population databases (gnomAD no frequency). This sequence change results in a frameshift in the CYBA gene (p.Glu162Argfs*39). While this is not anticipated to result in nonsense mediated decay, it is expected to disrupt the last 34 amino acid(s) of the CYBA protein and extend the protein by 4 additional amino acid residues. In summary, the available evidence is currently insufficient to determine the role of this variant in disease. Therefore, it has been classified as a Variant of Uncertain Significance.